The following is an entry in ClinVar:

NM_000256.3(MYBPC3):c.1518C>A (p.Asp506Glu)

Gene: MYBPC3 (myosin binding protein C3; minus strand). Cytogenetic location: 11p11.2.
Variant type: single nucleotide variant.
Coding change: c.1518C>A on transcript NM_000256.3 (MANE Select); coding-DNA position 1518, C replaced by A.
Protein change: p.Asp506Glu; replaces aspartic acid 506 with glutamic acid.
Molecular consequence: missense variant.
Genome position (GRCh38, 1-based): chr11:47,342,684, G>T on the plus strand (C>A on the coding strand, the complement: MYBPC3 is on the minus strand). VCF-style: chr11-47342684-G-T. GRCh37 (hg19) VCF-style: chr11-47364235-G-T.
Other names: short protein forms D506E.
Identifiers: ClinVar variation 4796867 (VCV004796867.1).
Genomic context (GRCh38, chr11:47,342,684, plus strand): 5'-TGCATAGTGCCCCGCGTCCTCCAGCATGGCCTCGTTGATGATCAGGTGGTGTCTCTGCCC[G>T]TCCTTCTTGAACCGGTATTTGAAGGTCTCCTCCCGGGTCAGCTCCACCCCGTCCTTCAGC-3'
Protein context (NP_000247.2, residues 496-516): EETFKYRFKK[Asp506Glu]GQRHHLIINE

ClinVar aggregate classification (germline): Uncertain significance (1 of 4 stars; one submission).

Conditions:
Hypertrophic cardiomyopathy. Also called: HYPERTROPHIC MYOCARDIOPATHY. Identifiers: Orphanet 217569, MedGen C0007194, MeSH D002312, MONDO:0005045, HP:0001639.

Submission:

Labcorp Genetics (formerly Invitae), Labcorp
Classification: Uncertain significance for Hypertrophic cardiomyopathy. Last evaluated: 2025-02-26. Review status: criteria provided, single submitter. Criteria: Invitae Variant Classification Sherloc (09022015). Collection method: clinical testing. Allele origin: germline.
Comment: This sequence change replaces aspartic acid, which is acidic and polar, with glutamic acid, which is acidic and polar, at codon 506 of the MYBPC3 protein (p.Asp506Glu). This variant is not present in population databases (gnomAD no frequency). This missense change has been observed in individual(s) with hypertrophic cardiomyopathy (PMID: 37652022). An algorithm developed to predict the effect of missense changes on protein structure and function (PolyPhen-2) suggests that this variant is likely to be disruptive. In summary, the available evidence is currently insufficient to determine the role of this variant in disease. Therefore, it has been classified as a Variant of Uncertain Significance.

Literature cited by the submitters: PubMed 37652022.